The following is an entry in ClinVar:

ClinVar aggregate classification (germline): Uncertain significance (1 of 4 stars; one submission).

Allele frequency attached by ClinVar (database versions not stated): gnomAD exomes below 0.00001.
gnomAD v4.1: 1 of 1,546,298 alleles (0.000065%); highest among the groups gnomAD compares: Non-Finnish European, 0.000087%; no homozygotes.

Submission:

Labcorp Genetics (formerly Invitae), Labcorp
Classification: Uncertain significance. Last evaluated: 2023-06-30. Review status: criteria provided, single submitter. Criteria: Invitae Variant Classification Sherloc (09022015). Collection method: clinical testing. Allele origin: germline.
Comment: This sequence change replaces proline, which is neutral and non-polar, with leucine, which is neutral and non-polar, at codon 134 of the ANXA11 protein (p.Pro134Leu). This variant is not present in population databases (gnomAD no frequency). This variant has not been reported in the literature in individuals affected with ANXA11-related conditions. Algorithms developed to predict the effect of missense changes on protein structure and function output the following: SIFT: "Not Available"; PolyPhen-2: "Not Available"; Align-GVGD: "Not Available". The leucine amino acid residue is found in multiple mammalian species, which suggests that this missense change does not adversely affect protein function. In summary, the available evidence is currently insufficient to determine the role of this variant in disease. Therefore, it has been classified as a Variant of Uncertain Significance.

NM_145868.2(ANXA11):c.401C>T (p.Pro134Leu)

Gene: ANXA11 (annexin A11; minus strand). Cytogenetic location: 10q22.3.
Variant type: single nucleotide variant.
Coding change: c.401C>T on transcript NM_145868.2 (MANE Select); coding-DNA position 401, C replaced by T.
Protein change: p.Pro134Leu; replaces proline 134 with leucine.
Molecular consequence: missense variant.
Genome position (GRCh38, 1-based): chr10:80,169,129, G>A on the plus strand (C>T on the coding strand, the complement: ANXA11 is on the minus strand). VCF-style: chr10-80169129-G-A. GRCh37 (hg19) VCF-style: chr10-81928885-G-A.
Other names: c.401C>T, p.Pro134Leu (NM_001157.3, NM_001278407.2, NM_001278408.2 and 1 more transcripts); c.302C>T, p.Pro101Leu (NM_001278409.2); short protein forms P101L, P134L.
Identifiers: ClinVar variation 2779917 (VCV002779917.3), dbSNP rs1420900980, ClinGen allele CA377368230.